The following is an entry in ClinVar:

ClinVar aggregate classification (germline): Uncertain significance (1 of 4 stars; one submission).

Submission:

Women's Health and Genetics/Laboratory Corporation of America, LabCorp
Classification: Uncertain significance. Last evaluated: 2024-03-01. Review status: criteria provided, single submitter. Criteria: LabCorp Variant Classification Summary - May 2015. Collection method: clinical testing. Allele origin: germline.
Comment: Variant summary: PDE10A c.6A>T (p.Glu2Asp) results in a conservative amino acid change in the encoded protein sequence. Five of five in-silico tools predict a benign effect of the variant on protein function. The variant was absent in 167196 control chromosomes (gnomAD). The available data on variant occurrences in the general population are insufficient to allow any conclusion about variant significance. To our knowledge, no occurrence of c.6A>T in individuals affected with PDE10A-Related Disorders and no experimental evidence demonstrating its impact on protein function have been reported. No submitters have cited clinical-significance assessments for this variant to ClinVar. Based on the evidence outlined above, the variant was classified as uncertain significance.

NM_001385079.1(PDE10A):c.804A>T (p.Glu268Asp)

Gene: PDE10A (phosphodiesterase 10A; minus strand). Cytogenetic location: 6q27.
Variant type: single nucleotide variant.
Coding change: c.804A>T on transcript NM_001385079.1 (MANE Select); coding-DNA position 804, A replaced by T.
Protein change: p.Glu268Asp; replaces glutamic acid 268 with aspartic acid.
Molecular consequence: missense variant. On other transcripts: 5 prime UTR variant (1).
Genome position (GRCh38, 1-based): chr6:165,662,008, T>A on the plus strand (A>T on the coding strand, the complement: PDE10A is on the minus strand). VCF-style: chr6-165662008-T-A. GRCh37 (hg19) VCF-style: chr6-166075496-T-A.
Other names: c.6A>T, p.Glu2Asp (NM_001130690.3); c.-153A>T (NM_006661.4); short protein forms E268D, E2D.
Identifiers: ClinVar variation 3233716 (VCV003233716.2), dbSNP rs2535442822, ClinGen allele CA366486449.